The following is an entry in ClinVar:

NM_000053.4(ATP7B):c.1572G>A (p.Met524Ile)

Gene: ATP7B (ATPase copper transporting beta; minus strand). Cytogenetic location: 13q14.3.
Variant type: single nucleotide variant.
Coding change: c.1572G>A on transcript NM_000053.4 (MANE Select); coding-DNA position 1572, G replaced by A.
Protein change: p.Met524Ile; replaces methionine 524 with isoleucine.
Molecular consequence: missense variant. On other transcripts: intron variant (3).
Genome position (GRCh38, 1-based): chr13:51,968,579, C>T on the plus strand (G>A on the coding strand, the complement: ATP7B is on the minus strand). VCF-style: chr13-51968579-C-T. GRCh37 (hg19) VCF-style: chr13-52542715-C-T.
Other names: NC_000013.10:g.52542715C>T; c.1476G>A, p.Met492Ile (NM_001406518.1, NM_001406517.1, NM_001406536.1 and 3 more transcripts); c.1572G>A, p.Met524Ile (NM_001406519.1, NM_001406520.1, NM_001406521.1 and 26 more transcripts); c.1239G>A, p.Met413Ile (NM_001243182.2); c.1143G>A, p.Met381Ile (NM_001406539.1); c.1285+5356G>A (NM_001406548.1); c.1544-5G>A (NM_001406524.1, NM_001406514.1); short protein forms M492I, M413I, M524I, M381I.
Identifiers: ClinVar variation 4393158 (VCV004393158.2).

ClinVar aggregate classification (germline): Uncertain significance (1 of 4 stars; one submission).

Conditions:
Wilson disease (WND). Also called: Wilson's disease. Identifiers: Orphanet 905, MedGen C0019202, MONDO:0010200, OMIM 277900. Disease mechanism: loss of function.

gnomAD v4.1: 54 of 1,614,070 alleles (0.0033%); highest among the groups gnomAD compares: Non-Finnish European, 0.0046%; no homozygotes.

Submissions (2):

Color Diagnostics, LLC DBA Color Health
Classification: Uncertain significance for Wilson disease. Last evaluated: 2025-11-26. Review status: criteria provided, single submitter. Criteria: ACMG Guidelines, 2015. Collection method: clinical testing. Allele origin: germline.
Comment: This missense variant replaces methionine with isoleucine at codon 524 of the ATP7B protein. Computational prediction suggests that this variant may have deleterious impact on protein structure and function. To our knowledge, functional studies have not been reported for this variant. This variant has not been reported in individuals affected with ATP7B-related disorders in the literature. This variant has been identified in 54/1614070 chromosomes in the general population by the Genome Aggregation Database (gnomAD). The available evidence is insufficient to determine the role of this variant in disease conclusively. Therefore, this variant is classified as a Variant of Uncertain Significance.

Dr. Peter K. Rogan Lab, Western University
No classification provided (evidence only). Condition: Ovarian serous cystadenocarcinoma. Review status: no classification provided. Collection method: in vitro. Allele origin: not applicable. Functional consequence: retained intron. Not counted in ClinVar's aggregate classification.